The following is an entry in ClinVar:

ClinVar aggregate classification (germline): Uncertain significance. Review status: criteria provided, multiple submitters, no conflicts (2 of 4 stars). 2 submissions from 2 submitters: Uncertain significance (2). Last evaluated 2025-11-26.

Allele frequency attached by ClinVar (database versions not stated): gnomAD 0.00002 and 0.00003; gnomAD exomes 0.00004; TOPMed 0.00004; ExAC 0.00005; 1000 Genomes Project 30x 0.00016.
gnomAD v4.1: 65 of 1,613,960 alleles (0.004%); highest among the groups gnomAD compares: East Asian, 0.0089%; no homozygotes.

Submissions (2):

Labcorp Genetics (formerly Invitae), Labcorp
Classification: Uncertain significance. Last evaluated: 2025-11-26. Review status: criteria provided, single submitter. Criteria: Invitae Variant Classification Sherloc (09022015). Collection method: clinical testing. Allele origin: germline.
Comment: This sequence change replaces arginine, which is basic and polar, with histidine, which is basic and polar, at codon 1897 of the SCN3A protein (p.Arg1897His). This variant is present in population databases (rs768691987, gnomAD 0.02%). This variant has not been reported in the literature in individuals affected with SCN3A-related conditions. ClinVar contains an entry for this variant (Variation ID: 654817). Invitae Evidence Modeling of protein sequence and biophysical properties (such as structural, functional, and spatial information, amino acid conservation, physicochemical variation, residue mobility, and thermodynamic stability) indicates that this missense variant is not expected to disrupt SCN3A protein function with a negative predictive value of 95%. In summary, the available evidence is currently insufficient to determine the role of this variant in disease. Therefore, it has been classified as a Variant of Uncertain Significance.

CeGaT Center for Human Genetics Tuebingen
Classification: Uncertain significance. Last evaluated: 2024-11-01. Review status: criteria provided, single submitter. Criteria: CeGaT Center For Human Genetics Tuebingen Variant Classification Criteria Version 2. Collection method: clinical testing. Allele origin: germline. Affected: yes. Observed: 1 variant allele.
Comment: SCN3A: PP3

NM_006922.4(SCN3A):c.5690G>A (p.Arg1897His)

Gene: SCN3A (sodium voltage-gated channel alpha subunit 3; minus strand). Cytogenetic location: 2q24.3.
Variant type: single nucleotide variant.
Coding change: c.5690G>A on transcript NM_006922.4 (MANE Select); coding-DNA position 5690, G replaced by A.
Protein change: p.Arg1897His; replaces arginine 1897 with histidine.
Molecular consequence: missense variant.
Genome position (GRCh38, 1-based): chr2:165,090,463, C>T on the plus strand (G>A on the coding strand, the complement: SCN3A is on the minus strand). VCF-style: chr2-165090463-C-T. GRCh37 (hg19) VCF-style: chr2-165946973-C-T.
Other names: c.5543G>A, p.Arg1848His (NM_001081676.2, NM_001081677.2); short protein forms R1848H, R1897H.
Identifiers: ClinVar variation 654817 (VCV000654817.25), dbSNP rs768691987, ClinGen allele CA1938369.